The following is an entry in ClinVar:

ClinVar aggregate classification (germline): Pathogenic/Likely pathogenic. Review status: criteria provided, multiple submitters, no conflicts (2 of 4 stars). 4 submissions from 4 submitters: Pathogenic (1); Likely pathogenic (2). 1 of the submissions does not count toward it. Last evaluated 2024-12-26.

Conditions:
TH-deficient dopa-responsive dystonia. Also called: DYT-TH; Tyrosine Hydroxylase-Deficient Dopa-Responsive Dystonia; Segawa syndrome, autosomal recessive. Identifiers: Orphanet 101150, MedGen C2673535, MONDO:0011551, OMIM 605407.

Allele frequency attached by ClinVar (database versions not stated): gnomAD exomes below 0.00001.
gnomAD v4.1: 1 of 1,611,276 alleles (0.000062%); highest among the groups gnomAD compares: Non-Finnish European, 0.000085%; no homozygotes.

Submissions (4):

Natera, Inc.
Classification: Likely pathogenic for Autosomal recessive Segawa syndrome. Last evaluated: 2024-12-26. Review status: criteria provided, single submitter. Criteria: Natera Variant Classification Schema (03/2026). Collection method: clinical testing. Allele origin: germline.
Comment: The c.100C>T variant in TH is a nonsense variant predicted to introduce a stop codon at amino acid 34. This variant is expected to result in nonsense mediated decay, truncation, or a dysfunctional protein product. This variant is rare in the general population with a frequency below the threshold expected for the associated phenotype(s). Given the available evidence, this variant is classified as Likely Pathogenic.

Fulgent Genetics
Classification: Likely pathogenic for TH-deficient dopa-responsive dystonia. Last evaluated: 2024-04-11. Review status: criteria provided, single submitter. Criteria: ACMG Guidelines, 2015. Collection method: clinical testing. Allele origin: germline.

Labcorp Genetics (formerly Invitae), Labcorp
Classification: Pathogenic for TH-deficient dopa-responsive dystonia. Last evaluated: 2022-04-05. Review status: criteria provided, single submitter. Criteria: Invitae Variant Classification Sherloc (09022015). Collection method: clinical testing. Allele origin: germline.
Comment: ClinVar contains an entry for this variant (Variation ID: 555748). This variant has not been reported in the literature in individuals affected with TH-related conditions. This variant is not present in population databases (gnomAD no frequency). This sequence change creates a premature translational stop signal (p.Gln34*) in the TH gene. It is expected to result in an absent or disrupted protein product. Loss-of-function variants in TH are known to be pathogenic (PMID: 22264700, 24753243). For these reasons, this variant has been classified as Pathogenic. Algorithms developed to predict the effect of sequence changes on RNA splicing suggest that this variant may disrupt the consensus splice site.

Counsyl
Classification: Uncertain significance for TH-deficient dopa-responsive dystonia. Last evaluated: 2017-12-20. Review status: no assertion criteria provided. Collection method: clinical testing. Allele origin: unknown. Not counted in ClinVar's aggregate classification.

Literature cited by the submitters: PubMed 22264700 (cited by Labcorp Genetics (formerly Invitae), Labcorp); PubMed 24753243 (cited by Labcorp Genetics (formerly Invitae), Labcorp).

NM_000360.4(TH):c.90+10C>T

Gene: TH (tyrosine hydroxylase; minus strand). Cytogenetic location: 11p15.5.
Variant type: single nucleotide variant.
Coding change: c.90+10C>T on transcript NM_000360.4 (MANE Select); 10 bases into the intron after coding-DNA position 90, C replaced by T.
Molecular consequence: intron variant. On other transcripts: nonsense (1).
Genome position (GRCh38, 1-based): chr11:2,171,687, G>A on the plus strand (C>T on the coding strand, the complement: TH is on the minus strand). VCF-style: chr11-2171687-G-A. GRCh37 (hg19) VCF-style: chr11-2192917-G-A.
Other names: c.100C>T, p.Gln34Ter (NM_199292.3); c.90+10C>T (NM_199293.3); short protein forms Q34*.
Identifiers: ClinVar variation 555748 (VCV000555748.9), dbSNP rs1554924321, ClinGen allele CA379112734.